The following is an entry in ClinVar:

NM_020461.4(TUBGCP6):c.3470G>A (p.Arg1157Gln)

Gene: TUBGCP6 (tubulin gamma complex component 6; minus strand). Cytogenetic location: 22q13.33.
Variant type: single nucleotide variant.
Coding change: c.3470G>A on transcript NM_020461.4 (MANE Select); coding-DNA position 3470, G replaced by A.
Protein change: p.Arg1157Gln; replaces arginine 1157 with glutamine.
Molecular consequence: missense variant.
Genome position (GRCh38, 1-based): chr22:50,220,889, C>T on the plus strand (G>A on the coding strand, the complement: TUBGCP6 is on the minus strand). VCF-style: chr22-50220889-C-T. GRCh37 (hg19) VCF-style: chr22-50659318-C-T.
Other names: c.3470G>A (NM_020461.3); short protein forms R1157Q.
Identifiers: ClinVar variation 1039900 (VCV001039900.8), dbSNP rs760242683, ClinGen allele CA10307938.

ClinVar aggregate classification (germline): Uncertain significance. Review status: criteria provided, multiple submitters, no conflicts (2 of 4 stars). 2 submissions from 2 submitters: Uncertain significance (2). Last evaluated 2022-03-11.

Conditions:
Inborn genetic diseases. Identifiers: MedGen C0950123, MeSH D030342.

Allele frequency attached by ClinVar (database versions not stated): gnomAD 0.00001; TOPMed 0.00001; gnomAD exomes 0.00003 and 0.00006; ExAC 0.00006.
gnomAD v4.1: 48 of 1,612,940 alleles (0.003%); highest among the groups gnomAD compares: South Asian, 0.034%; no homozygotes.

Submissions (2):

Labcorp Genetics (formerly Invitae), Labcorp
Classification: Uncertain significance. Last evaluated: 2022-03-11. Review status: criteria provided, single submitter. Criteria: Invitae Variant Classification Sherloc (09022015). Collection method: clinical testing. Allele origin: germline.
Comment: This sequence change replaces arginine, which is basic and polar, with glutamine, which is neutral and polar, at codon 1157 of the TUBGCP6 protein (p.Arg1157Gln). This variant is present in population databases (rs760242683, gnomAD 0.04%). This variant has not been reported in the literature in individuals affected with TUBGCP6-related conditions. ClinVar contains an entry for this variant (Variation ID: 1039900). In summary, the available evidence is currently insufficient to determine the role of this variant in disease. Therefore, it has been classified as a Variant of Uncertain Significance. Algorithms developed to predict the effect of missense changes on protein structure and function output the following: SIFT: "Deleterious"; PolyPhen-2: "Not Available"; Align-GVGD: "Class C0". The glutamine amino acid residue is found in multiple mammalian species, which suggests that this missense change does not adversely affect protein function. Algorithms developed to predict the effect of sequence changes on RNA splicing suggest that this variant may create or strengthen a splice site.

Ambry Genetics
Classification: Uncertain significance for Inborn genetic diseases. Last evaluated: 2021-09-01. Review status: criteria provided, single submitter. Criteria: Ambry Variant Classification Scheme 2023. Collection method: clinical testing. Allele origin: germline.